The following is an entry in ClinVar:

NM_017950.4(CCDC40):c.2832+385_2832+470del

Gene: CCDC40 (coiled-coil domain 40 molecular ruler complex subunit; plus strand). Cytogenetic location: 17q25.3.
Variant type: Deletion.
Coding change: c.2832+385_2832+470del on transcript NM_017950.4 (MANE Select); bases 385 to 470 of the intron after coding-DNA position 2832, 86 bases deleted.
Molecular consequence: intron variant. On other transcripts: frameshift variant (1).
Genome position (GRCh38, 1-based): chr17:80,090,269-80,090,354, 86 bases deleted. GRCh37 (hg19): chr17:78,064,068-78,064,153.
Other names: c.2963_3048del, p.His988fs (NM_001243342.2); short protein forms H988fs.
Identifiers: ClinVar variation 1049352 (VCV001049352.1), dbSNP rs2143762791, ClinGen allele CA2499224996.

ClinVar aggregate classification (germline): Uncertain significance (0 of 4 stars; one submission).

Submission:

Department of Pathology and Laboratory Medicine, Sinai Health System
Classification: Uncertain significance. Review status: no assertion criteria provided. Collection method: clinical testing. Allele origin: unknown. Affected: yes. Study: The Canadian Open Genetics Repository (COGR).
Comment: The CCDC40 p.Val989Alafs*25 variant was not identified in the literature nor was it identified in dbSNP, ClinVar or in the following control databases: the 1000 Genomes Project, the NHLBI GO Exome Sequencing Project, or the Genome Aggregation Database (March 6, 2019, v2.1.1). The c.2966_3050del variant is predicted to cause a frameshift, which alters the protein's amino acid sequence beginning at codon 989 and leads to a premature stop codon at position 25. This alteration is then predicted to result in a truncated or absent protein and loss of function. However, this variant occurs in the last exon of the gene therefore it is unclear if this variant would lead to loss of function. The variant occurs outside of the splicing consensus sequence and in silico or computational prediction software programs (SpliceSiteFinder, MaxEntScan, NNSPLICE, GeneSplicer) do not predict a difference in splicing. In summary, based on the above information the clinical significance of this variant cannot be determined with certainty at this time. This variant is classified as a variant of uncertain significance.